The following is an entry in ClinVar:

ClinVar aggregate classification (germline): Conflicting classifications of pathogenicity. Review status: criteria provided, conflicting classifications (1 of 4 stars). 4 submissions from 4 submitters: Uncertain significance (3); Likely benign (1). Last evaluated 2026-05-12.

Conditions:
Arrhythmogenic cardiomyopathy with wooly hair and keratoderma. Also called: PALMOPLANTAR KERATODERMA WITH LEFT VENTRICULAR CARDIOMYOPATHY AND WOOLLY HAIR; Carvajal syndrome; Arrhythmogenic cardiomyopathy with woolly hair and keratoderma; Dilated cardiomyopathy with woolly hair and keratoderma. Identifiers: Orphanet 65282, MedGen C1854063, MONDO:0011581, OMIM 605676.
Arrhythmogenic right ventricular dysplasia 8 (ARVD8). Also called: Arrhythmogenic Right Ventricular Dysplasia/Cardiomyopathy 8; ARRHYTHMOGENIC RIGHT VENTRICULAR DYSPLASIA, FAMILIAL, 8; ARRHYTHMOGENIC RIGHT VENTRICULAR CARDIOMYOPATHY 8. Identifiers: MedGen C1843896, MONDO:0011831, OMIM 607450.
Cardiovascular phenotype. Identifiers: MedGen CN230736.

Allele frequency attached by ClinVar (database versions not stated): gnomAD 0.00001.

Submissions (4):

Women's Health and Genetics/Laboratory Corporation of America, LabCorp
Classification: Uncertain significance. Last evaluated: 2026-05-12. Review status: criteria provided, single submitter. Criteria: LabCorp Variant Classification Summary - May 2015. Collection method: clinical testing. Allele origin: germline.
Comment: Variant summary: DSP c.146C>G (p.Thr49Ser) results in a conservative amino acid change in the encoded protein sequence. Algorithms developed to predict the effect of missense changes on protein structure and function all suggest that this variant is likely to be tolerated. The variant allele was found at a frequency of 1.2e-05 in 169636 control chromosomes. The available data on variant occurrences in the general population are insufficient to allow any conclusion about variant significance. To our knowledge, no occurrence of c.146C>G in individuals affected with DSP-related conditions and no experimental evidence demonstrating its impact on protein function have been reported. ClinVar contains an entry for this variant (Variation ID: 519512). Based on the evidence outlined above, the variant was classified as uncertain significance.

Labcorp Genetics (formerly Invitae), Labcorp
Classification: Likely benign for Arrhythmogenic cardiomyopathy with wooly hair and keratoderma; Arrhythmogenic right ventricular dysplasia 8. Last evaluated: 2026-01-19. Review status: criteria provided, single submitter. Criteria: Invitae Variant Classification Sherloc (09022015). Collection method: clinical testing. Allele origin: germline.

All of Us Research Program, National Institutes of Health
Classification: Uncertain significance for Arrhythmogenic cardiomyopathy with wooly hair and keratoderma. Last evaluated: 2023-11-02. Review status: criteria provided, single submitter. Criteria: ACMG Guidelines, 2015. Collection method: clinical testing. Allele origin: germline. Inheritance: Autosomal dominant inheritance. Observed: 2 variant alleles, 2 heterozygotes.
Comment: This missense variant replaces threonine with serine at codon 49 of the DSP protein. Computational prediction suggests that this variant may not impact protein structure and function (internally defined REVEL score threshold <= 0.5, PMID: 27666373). To our knowledge, functional studies have not been reported for this variant. This variant has been reported in an individual affected with arrhythmogenic right ventricular cardiomyopathy (PMID: 21636032). This variant has been identified in 3/201000 chromosomes in the general population by the Genome Aggregation Database (gnomAD). The available evidence is insufficient to determine the role of this variant in disease conclusively. Therefore, this variant is classified as a Variant of Uncertain Significance.

This study involves interpretation of variants in research participants for the purpose of population health screening. Participant phenotype was not available at the time of variant classification. Additional details can be found in publication PMID: 35346344, PMCID: PMC8962531

Ambry Genetics
Classification: Uncertain significance for Cardiovascular phenotype. Last evaluated: 2017-09-15. Review status: criteria provided, single submitter. Criteria: Ambry Variant Classification Scheme 2023. Collection method: clinical testing. Allele origin: germline.
Comment: The p.T49S variant (also known as c.146C>G), located in coding exon 1 of the DSP gene, results from a C to G substitution at nucleotide position 146. The threonine at codon 49 is replaced by serine, an amino acid with similar properties. This alteration was reported in one healthy control from an arrhythmogenic right ventricular dysplasia/cardiomyopathy (ARVD/C) genetic testing study, but clinical details were limited (Kapplinger JD et al. J. Am. Coll. Cardiol., 2011 Jun;57:2317-27). This amino acid position is poorly conserved in available vertebrate species. In addition, this alteration is predicted to be tolerated by in silico analysis. Since supporting evidence is limited at this time, the clinical significance of this alteration remains unclear.

Literature cited by the submitters: PubMed 21636032 (cited by All of Us Research Program, National Institutes of Health and Ambry Genetics).

NM_004415.4(DSP):c.146C>G (p.Thr49Ser)

Genes: DSP (desmoplakin; plus strand), DSP-AS1 (DSP antisense RNA 1; minus strand). Cytogenetic location: 6p24.3.
Variant type: single nucleotide variant.
Coding change: c.146C>G on transcript NM_004415.4 (MANE Select); coding-DNA position 146, C replaced by G.
Protein change: p.Thr49Ser; replaces threonine 49 with serine.
Molecular consequence: missense variant.
Genome position (GRCh38, 1-based): chr6:7,542,061, C>G. VCF-style: chr6-7542061-C-G. GRCh37 (hg19) VCF-style: chr6-7542294-C-G.
Other names: c.146C>G (LRG_423t1); c.146C>G, p.Thr49Ser (NM_001008844.3, NM_001319034.2); short protein forms T49S.
Identifiers: ClinVar variation 519512 (VCV000519512.14), dbSNP rs151153655, ClinGen allele CA362675961.
Genomic context (GRCh38, chr6:7,542,061, plus strand): 5'-AGGTGACCAGCGGCGGCGGGGGCACCAGCAGGATGTACTATTCTCGGCGCGGCGTGATCA[C>G]CGACCAGAACTCGGACGGCTACTGGTGGGTACCTGCCCGGAGAGCGCGGGCTGCGGGGCT-3'
Protein context (NP_004406.2, residues 39-59): RMYYSRRGVI[Thr49Ser]DQNSDGYCQT